The following is an entry in ClinVar:

NM_001330063.2(ANKFY1):c.2997C>T (p.Ala999=)

Gene: ANKFY1 (ankyrin repeat and FYVE domain containing 1; minus strand). Cytogenetic location: 17p13.2.
Variant type: single nucleotide variant.
Coding change: c.2997C>T on transcript NM_001330063.2 (MANE Select); coding-DNA position 2997, C replaced by T.
Protein change: p.Ala999=; no amino-acid change (alanine 999 retained).
Molecular consequence: synonymous variant. On other transcripts: non-coding transcript variant (1).
Genome position (GRCh38, 1-based): chr17:4,173,371, G>A on the plus strand (C>T on the coding strand, the complement: ANKFY1 is on the minus strand). VCF-style: chr17-4173371-G-A. GRCh37 (hg19) VCF-style: chr17-4076666-G-A.
Other names: c.3123C>T, p.Ala1041= (NM_001257999.3); c.3000C>T, p.Ala1000= (NM_016376.5).
Identifiers: ClinVar variation 3043858 (VCV003043858.2), dbSNP rs539856863, ClinGen allele CA8300978.

ClinVar aggregate classification (germline): Likely benign (0 of 4 stars; one submission).

Conditions:
ANKFY1-related disorder. Also called: ANKFY1-related condition.

Allele frequency attached by ClinVar (database versions not stated): 1000 Genomes Project 30x 0.00016; 1000 Genomes Project 0.00020.
gnomAD v4.1: 30 of 1,614,142 alleles (0.0019%); highest among the groups gnomAD compares: African/African-American, 0.0093%; no homozygotes.

Submission:

PreventionGenetics, part of Exact Sciences
Classification: Likely benign for ANKFY1-related condition. Last evaluated: 2019-06-04. Review status: no assertion criteria provided. Collection method: clinical testing. Allele origin: germline.
Comment: This variant is classified as likely benign based on ACMG/AMP sequence variant interpretation guidelines (Richards et al. 2015 PMID: 25741868, with internal and published modifications).